The following is an entry in ClinVar:

ClinVar aggregate classification (germline): Uncertain significance. Review status: criteria provided, multiple submitters, no conflicts (2 of 4 stars). 2 submissions from 2 submitters: Uncertain significance (2). Last evaluated 2023-06-13.

Conditions:
Coxopodopatellar syndrome. Also called: ISCHIOPATELLAR DYSPLASIA; SCOTT-TAOR SYNDROME; Small patella syndrome; ISCHIOCOXOPODOPATELLAR SYNDROME; PATELLA APLASIA, COXA VARA, AND TARSAL SYNOSTOSIS; ISCHIOCOXOPODOPATELLAR SYNDROME WITH OR WITHOUT PULMONARY ARTERIAL HYPERTENSION. Identifiers: Orphanet 1509, MedGen C1840061, MONDO:0007841, OMIM 147891.

Allele frequency attached by ClinVar (database versions not stated): gnomAD exomes below 0.00001.

Submissions (2):

GeneDx
Classification: Uncertain significance. Last evaluated: 2023-06-13. Review status: criteria provided, single submitter. Criteria: GeneDx Variant Classification Process June 2021. Collection method: clinical testing. Allele origin: germline. Affected: yes.
Comment: Not observed at significant frequency in large population cohorts (gnomAD); In silico analysis supports that this missense variant does not alter protein structure/function; Identified in an individual with pulmonary arterial hypertension (Aldalaan et al., 2021); This variant is associated with the following publications: (PMID: 34377436)

Illumina Laboratory Services, Illumina
Classification: Uncertain significance for Coxopodopatellar syndrome. Last evaluated: 2018-01-13. Review status: criteria provided, single submitter. Criteria: ICSL Variant Classification Criteria 13 December 2019. Collection method: clinical testing. Allele origin: germline.

NM_001321120.2(TBX4):c.1277C>T (p.Pro426Leu)

Gene: TBX4 (T-box transcription factor 4; plus strand). Cytogenetic location: 17q23.2.
Variant type: single nucleotide variant.
Coding change: c.1277C>T on transcript NM_001321120.2 (MANE Select); coding-DNA position 1277, C replaced by T.
Protein change: p.Pro426Leu; replaces proline 426 with leucine.
Molecular consequence: missense variant.
Genome position (GRCh38, 1-based): chr17:61,483,152, C>T. VCF-style: chr17-61483152-C-T. GRCh37 (hg19) VCF-style: chr17-59560513-C-T.
Other names: c.1274C>T, p.Pro425Leu (NM_018488.3); short protein forms P426L, P425L.
Identifiers: ClinVar variation 889450 (VCV000889450.5), dbSNP rs1224135577, ClinGen allele CA400476006.